The following is an entry in ClinVar:

NM_020964.3(EPG5):c.5492G>A (p.Ser1831Asn)

Gene: EPG5 (ectopic P-granules 5 autophagy tethering factor; minus strand). Cytogenetic location: 18q12.3.
Variant type: single nucleotide variant.
Coding change: c.5492G>A on transcript NM_020964.3 (MANE Select); coding-DNA position 5492, G replaced by A.
Protein change: p.Ser1831Asn; replaces serine 1831 with asparagine.
Molecular consequence: missense variant.
Genome position (GRCh38, 1-based): chr18:45,882,300, C>T on the plus strand (G>A on the coding strand, the complement: EPG5 is on the minus strand). VCF-style: chr18-45882300-C-T. GRCh37 (hg19) VCF-style: chr18-43462265-C-T.
Other names: c.5492G>A (NM_020964.2); c.5492G>A, p.Ser1831Asn (NM_001410858.1, NM_001410859.1); short protein forms S1831N.
Identifiers: ClinVar variation 2044640 (VCV002044640.5), dbSNP rs774570206, ClinGen allele CA8948583.

ClinVar aggregate classification (germline): Uncertain significance. Review status: criteria provided, multiple submitters, no conflicts (2 of 4 stars). 4 submissions from 4 submitters: Uncertain significance (4). Last evaluated 2026-08-06.

Conditions:
Vici syndrome (VICIS). Identifiers: Orphanet 1493, MedGen C1855772, MONDO:0009452, OMIM 242840.
Inborn genetic diseases. Identifiers: MedGen C0950123, MeSH D030342.
EPG5-related disorder. Also called: EPG5-related condition. Identifiers: MedGen CN381528.

Allele frequency attached by ClinVar (database versions not stated): gnomAD exomes 0.00001; ExAC 0.00001; TOPMed 0.00009; gnomAD 0.00011.
gnomAD v4.1: 32 of 1,614,106 alleles (0.002%); highest among the groups gnomAD compares: African/African-American, 0.036%; no homozygotes.

Submissions (4):

OLLIN Analises Genomicas, OLLIN
Classification: Uncertain significance for Vici syndrome. Last evaluated: 2026-08-06. Review status: criteria provided, single submitter. Criteria: ACMG Guidelines 2015 PMID 25741868. Collection method: clinical testing. Allele origin: germline. Inheritance: Autosomal recessive inheritance.
Comment: This missense variant, located in exon 31 (of 44), has been reported in ClinVar (accession VCV002044640.4) and in gnomAD with an allele frequency of 0.002%. However, to our knowledge, it has not been reported in the scientific literature. In silico analysis predicts that this variant has a tolerated effect. According to the currently available evidence, this variant has been classified as uncertain significance (PM2_P, BP4).

Labcorp Genetics (formerly Invitae), Labcorp
Classification: Uncertain significance for Vici syndrome. Last evaluated: 2025-12-23. Review status: criteria provided, single submitter. Criteria: Invitae Variant Classification Sherloc (09022015). Collection method: clinical testing. Allele origin: germline.
Comment: This sequence change replaces serine, which is neutral and polar, with asparagine, which is neutral and polar, at codon 1831 of the EPG5 protein (p.Ser1831Asn). This variant is present in population databases (rs774570206, gnomAD 0.03%). This variant has not been reported in the literature in individuals affected with EPG5-related conditions. ClinVar contains an entry for this variant (Variation ID: 2044640). Invitae Evidence Modeling of protein sequence and biophysical properties (such as structural, functional, and spatial information, amino acid conservation, physicochemical variation, residue mobility, and thermodynamic stability) has been performed for this missense variant. However, the output from this modeling did not meet the statistical confidence thresholds required to predict the impact of this variant on EPG5 protein function. In summary, the available evidence is currently insufficient to determine the role of this variant in disease. Therefore, it has been classified as a Variant of Uncertain Significance.

Ambry Genetics
Classification: Uncertain significance for Inborn genetic diseases. Last evaluated: 2025-07-16. Review status: criteria provided, single submitter. Criteria: Ambry Variant Classification Scheme 2023. Collection method: clinical testing. Allele origin: germline.

PreventionGenetics, part of Exact Sciences
Classification: Uncertain significance for EPG5-related condition. Last evaluated: 2025-02-11. Review status: criteria provided, single submitter. Criteria: ACMG Guidelines, 2015. Collection method: clinical testing. Allele origin: germline.
Comment: The EPG5 c.5492G>A variant is predicted to result in the amino acid substitution p.Ser1831Asn. To our knowledge, this variant has not been reported in the literature. This variant is reported in 0.033% of alleles in individuals of African descent in gnomAD. At this time, the clinical significance of this variant is uncertain due to the absence of conclusive functional and genetic evidence.